The following is an entry in ClinVar:

ClinVar aggregate classification (germline): Pathogenic/Likely pathogenic. Review status: criteria provided, multiple submitters, no conflicts (2 of 4 stars). 2 submissions from 2 submitters: Pathogenic (1); Likely pathogenic (1). Last evaluated 2026-10-01.

Conditions:
Familial hyperparathyroidism or Hypocalciuric hypercalcaemia.

Submissions (2):

Cambridge Genomics Laboratory, East Genomic Laboratory Hub, NHS Genomic Medicine Service
Classification: Likely pathogenic for Familial hyperparathyroidism or Hypocalciuric hypercalcaemia. Last evaluated: 2026-10-01. Review status: criteria provided, single submitter. Criteria: ACGS Best Practice Guidelines for Variant Classification in Rare Disease 2020. Collection method: clinical testing. Allele origin: germline. Affected: yes.
Comment: PM1_Supporting,PM2,PM5_Supporting,PP3,PP4

GeneDx
Classification: Pathogenic. Last evaluated: 2015-03-25. Review status: criteria provided, single submitter. Criteria: GeneDx Variant Classification (06012015). Collection method: clinical testing. Allele origin: germline. Affected: yes.
Comment: The Y218D variant has not been published as pathogenic, nor has it been reported as a benign polymorphism toour knowledge. The Y218D variant was not observed in approximately 6,500 individuals of European andAfrican American ancestry in the NHLBI Exome Sequencing Project, indicating it is not a common benignvariant in these populations. The Y218D variant is a non-conservative amino acid substitution, which islikely to impact secondary protein structure as these residues differ in polarity, charge, size and/or otherproperties. This substitution occurs at a position that is conserved across species. In silico analysis predictsthis amino acid substitution is probably damaging to the protein structure/function. Missense variants in thisresidue (Y218H, Y218C, Y218S) have been reported in the Human Gene Mutation Database in associationwith CASR-related disorders (Stenson et al., 2009), supporting the functional importance of this residue of theprotein. Therefore, Y218D is considered to be a pathogenic variant.

NM_000388.4(CASR):c.652T>G (p.Tyr218Asp)

Gene: CASR (calcium sensing receptor; plus strand). Cytogenetic location: 3q21.1.
Variant type: single nucleotide variant.
Coding change: c.652T>G on transcript NM_000388.4 (MANE Select); coding-DNA position 652, T replaced by G.
Protein change: p.Tyr218Asp; replaces tyrosine 218 with aspartic acid.
Molecular consequence: missense variant.
Genome position (GRCh38, 1-based): chr3:122,261,687, T>G. VCF-style: chr3-122261687-T-G. GRCh37 (hg19) VCF-style: chr3-121980534-T-G.
Other names: c.652T>G, p.Tyr218Asp (NM_001178065.2); short protein forms Y218D.
Identifiers: ClinVar variation 379352 (VCV000379352.3), dbSNP rs1057520583, ClinGen allele CA16604347.